The following is an entry in ClinVar:

NM_016026.4(RDH11):c.598C>G (p.Leu200Val)

Genes: GPHN (gephyrin; plus strand), RDH11 (retinol dehydrogenase 11; minus strand). Cytogenetic location: 14q24.1.
Variant type: single nucleotide variant.
Coding change: c.598C>G on transcript NM_016026.4 (MANE Select); coding-DNA position 598, C replaced by G.
Protein change: p.Leu200Val; replaces leucine 200 with valine.
Molecular consequence: missense variant. On other transcripts: intron variant (1).
Genome position (GRCh38, 1-based): chr14:67,690,278, G>C on the plus strand (C>G on the coding strand, the complement: RDH11 is on the minus strand). VCF-style: chr14-67690278-G-C. GRCh37 (hg19) VCF-style: chr14-68156995-G-C.
Other names: c.454+862C>G (NM_001252650.2); c.598C>G (NM_016026.3); short protein forms L200V.
Identifiers: ClinVar variation 1057094 (VCV001057094.8), dbSNP rs201038531, ClinGen allele CA7238353.

ClinVar aggregate classification (germline): Uncertain significance. Review status: criteria provided, multiple submitters, no conflicts (2 of 4 stars). 2 submissions from 2 submitters: Uncertain significance (2). Last evaluated 2024-03-07.

Allele frequency attached by ClinVar (database versions not stated): gnomAD 0.00001; gnomAD exomes 0.00001 and 0.00004; TOPMed 0.00001; ExAC 0.00002; 1000 Genomes Project 30x 0.00016; 1000 Genomes Project 0.00020.
gnomAD v4.1: 11 of 1,614,180 alleles (0.00068%); highest among the groups gnomAD compares: East Asian, 0.025%; no homozygotes.

Submissions (2):

Ambry Genetics
Classification: Uncertain significance. Last evaluated: 2024-03-07. Review status: criteria provided, single submitter. Criteria: Ambry Variant Classification Scheme 2023. Collection method: clinical testing. Allele origin: germline.

Labcorp Genetics (formerly Invitae), Labcorp
Classification: Uncertain significance. Last evaluated: 2022-07-12. Review status: criteria provided, single submitter. Criteria: Invitae Variant Classification Sherloc (09022015). Collection method: clinical testing. Allele origin: germline.
Comment: Algorithms developed to predict the effect of missense changes on protein structure and function are either unavailable or do not agree on the potential impact of this missense change (SIFT: "Deleterious"; PolyPhen-2: "Probably Damaging"; Align-GVGD: "Class C0"). In summary, the available evidence is currently insufficient to determine the role of this variant in disease. Therefore, it has been classified as a Variant of Uncertain Significance. ClinVar contains an entry for this variant (Variation ID: 1057094). This variant has not been reported in the literature in individuals affected with RDH11-related conditions. This variant is present in population databases (rs201038531, gnomAD 0.05%). This sequence change replaces leucine, which is neutral and non-polar, with valine, which is neutral and non-polar, at codon 200 of the RDH11 protein (p.Leu200Val).